The following is an entry in ClinVar:

NM_000038.6(APC):c.5123T>A (p.Val1708Glu)

Gene: APC (APC regulator of Wnt signaling pathway; plus strand). Cytogenetic location: 5q22.2.
Variant type: single nucleotide variant.
Coding change: c.5123T>A on transcript NM_000038.6 (MANE Select); coding-DNA position 5123, T replaced by A.
Protein change: p.Val1708Glu; replaces valine 1708 with glutamic acid.
Molecular consequence: missense variant.
Genome position (GRCh38, 1-based): chr5:112,840,717, T>A. VCF-style: chr5-112840717-T-A. GRCh37 (hg19) VCF-style: chr5-112176414-T-A.
Other names: c.5123T>A, p.Val1708Glu (NM_001127510.3, NM_001354895.2); c.5069T>A, p.Val1690Glu (NM_001127511.3); c.5177T>A, p.Val1726Glu (NM_001354896.2); c.5153T>A, p.Val1718Glu (NM_001354897.2); c.5048T>A, p.Val1683Glu (NM_001354898.2); c.5039T>A, p.Val1680Glu (NM_001354899.2); c.5000T>A, p.Val1667Glu (NM_001354900.2); c.4946T>A, p.Val1649Glu (NM_001354901.2); and 5 more; short protein forms V1548E, V1607E, V1649E, V1690E, V1708E, V1582E, V1667E, V1718E.
Identifiers: ClinVar variation 919682 (VCV000919682.12), dbSNP rs1765852253, ClinGen allele CA16032527.

ClinVar aggregate classification (germline): Uncertain significance. Review status: criteria provided, multiple submitters, no conflicts (2 of 4 stars). 2 submissions from 2 submitters: Uncertain significance (2). Last evaluated 2023-12-05.

Conditions:
Familial adenomatous polyposis 1 (FAP1). Also called: FAMILIAL ADENOMATOUS POLYPOSIS 1, ATTENUATED; POLYPOSIS, ADENOMATOUS INTESTINAL. Identifiers: MedGen C2713442, MONDO:0021056, OMIM 175100. Disease mechanism: loss of function.
Hereditary cancer-predisposing syndrome. Also called: Neoplastic Syndromes, Hereditary; Tumor predisposition; Hereditary Cancer Syndrome; Hereditary neoplastic syndrome. Identifiers: Orphanet 140162, MedGen C0027672, MeSH D009386, MONDO:0015356.

Submissions (2):

Color Diagnostics, LLC DBA Color Health
Classification: Uncertain significance for Hereditary cancer-predisposing syndrome. Last evaluated: 2023-12-05. Review status: criteria provided, single submitter. Criteria: ACMG Guidelines, 2015. Collection method: clinical testing. Allele origin: germline.
Comment: This missense variant replaces valine with glutamic acid at codon 1708 of the APC protein. Computational prediction suggests that this variant may not impact protein structure and function (internally defined REVEL score threshold <= 0.5, PMID: 27666373). To our knowledge, functional studies have not been reported for this variant. This variant has not been reported in individuals affected with APC-related disorders in the literature. This variant has not been identified in the general population by the Genome Aggregation Database (gnomAD). The available evidence is insufficient to determine the role of this variant in disease conclusively. Therefore, this variant is classified as a Variant of Uncertain Significance.

Labcorp Genetics (formerly Invitae), Labcorp
Classification: Uncertain significance for Familial adenomatous polyposis 1. Last evaluated: 2021-05-16. Review status: criteria provided, single submitter. Criteria: Invitae Variant Classification Sherloc (09022015). Collection method: clinical testing. Allele origin: germline.
Comment: This sequence change replaces valine with glutamic acid at codon 1708 of the APC protein (p.Val1708Glu). The valine residue is weakly conserved and there is a moderate physicochemical difference between valine and glutamic acid. In summary, the available evidence is currently insufficient to determine the role of this variant in disease. Therefore, it has been classified as a Variant of Uncertain Significance. Algorithms developed to predict the effect of missense changes on protein structure and function are either unavailable or do not agree on the potential impact of this missense change (SIFT: "Deleterious"; PolyPhen-2: "Benign"; Align-GVGD: "Class C0"). This variant has not been reported in the literature in individuals with APC-related conditions. ClinVar contains an entry for this variant (Variation ID: 919682). This variant is not present in population databases (ExAC no frequency).